The following is an entry in ClinVar:

NM_001943.5(DSG2):c.524-6T>C

Gene: DSG2 (desmoglein 2; plus strand). Cytogenetic location: 18q12.1.
Variant type: single nucleotide variant.
Coding change: c.524-6T>C on transcript NM_001943.5 (MANE Select); 6 bases into the intron before coding-DNA position 524, T replaced by C.
Molecular consequence: intron variant.
Genome position (GRCh38, 1-based): chr18:31,522,077, T>C. VCF-style: chr18-31522077-T-C. GRCh37 (hg19) VCF-style: chr18-29102040-T-C.
Identifiers: ClinVar variation 1588353 (VCV001588353.10), dbSNP rs755923878, ClinGen allele CA297729915.
Genomic context (GRCh38, chr18:31,522,077, plus strand): 5'-ATAAAATAACAGGTAAATATGCTTAAAGTTGAATTTCATCTTAGACATCTTTATTTCTAA[T>C]GCCAGATACTCTTGTGATGAAAATCAATGCAACAGATGCAGATGAGCCCAATACCCTGAA-3'

ClinVar aggregate classification (germline): Likely benign. Review status: criteria provided, multiple submitters, no conflicts (2 of 4 stars). 3 submissions from 3 submitters: Likely benign (3). Last evaluated 2026-01-04.

Conditions:
Cardiomyopathy (CMYO). Also called: Cardiomyopathies. Identifiers: Orphanet 167848, MedGen C0878544, MONDO:0004994, HP:0001638. Inheritance: Various modes of inheritance.
Arrhythmogenic right ventricular dysplasia 10. Also called: Arrhythmogenic right ventricular dysplasia/cardiomyopathy, type 10; Arrhythmogenic Right Ventricular Dysplasia/Cardiomyopathy10; ARRHYTHMOGENIC RIGHT VENTRICULAR DYSPLASIA, FAMILIAL, 10. Identifiers: MedGen C1857777, MONDO:0012434, OMIM 610193.
Arrhythmogenic right ventricular cardiomyopathy (ARVD). Also called: Cardiomyopathy, ARVC; Arrhythmogenic right ventricular dysplasia; Arrhythmogenic cardiomyopathy; Arrhythmogenic Right Ventricular Cardiomyopathy (ARVC). Identifiers: Orphanet 247, MedGen C0349788, MeSH D019571, MONDO:0016587. Disease mechanism: loss of function. Inheritance: Various modes of inheritance.

Allele frequency attached by ClinVar (database versions not stated): gnomAD exomes 0.00001; TOPMed 0.00005; gnomAD 0.00006.
gnomAD v4.1: 23 of 1,613,148 alleles (0.0014%); highest among the groups gnomAD compares: African/African-American, 0.019%; no homozygotes.

Submissions (3):

Labcorp Genetics (formerly Invitae), Labcorp
Classification: Likely benign for Arrhythmogenic right ventricular dysplasia 10. Last evaluated: 2026-01-04. Review status: criteria provided, single submitter. Criteria: Invitae Variant Classification Sherloc (09022015). Collection method: clinical testing. Allele origin: germline.

All of Us Research Program, National Institutes of Health
Classification: Likely benign for Arrhythmogenic right ventricular cardiomyopathy. Last evaluated: 2024-08-06. Review status: criteria provided, single submitter. Criteria: ACMG Guidelines, 2015. Collection method: clinical testing. Allele origin: germline. Inheritance: Autosomal dominant inheritance. Observed: 4 variant alleles, 4 heterozygotes.
Comment: This study involves interpretation of variants in research participants for the purpose of population health screening. Participant phenotype was not available at the time of variant classification. Additional details can be found in publication PMID: 35346344, PMCID: PMC8962531

Color Diagnostics, LLC DBA Color Health
Classification: Likely benign for Cardiomyopathy. Last evaluated: 2023-10-16. Review status: criteria provided, single submitter. Criteria: ACMG Guidelines, 2015. Collection method: clinical testing. Allele origin: germline.